The following is an entry in ClinVar:

ClinVar aggregate classification (germline): Uncertain significance (1 of 4 stars; one submission).

Conditions:
BMP4-related disorder. Also called: BMP4-related condition.

Submission:

PreventionGenetics, part of Exact Sciences
Classification: Uncertain significance for BMP4-related condition. Last evaluated: 2023-04-07. Review status: criteria provided, single submitter. Criteria: ACMG Guidelines, 2015. Collection method: clinical testing. Allele origin: germline.
Comment: The BMP4 c.98G>T variant is predicted to result in the amino acid substitution p.Cys33Phe. Of note, this variant can also be referred to as c.-97G>T (Pre-Coding) with alternative transcript NM_001202. To our knowledge, this variant has not been reported in the literature or in a large population database, indicating this variant is rare. At this time, the clinical significance of this variant is uncertain due to the absence of conclusive functional and genetic evidence.

NM_001202.6(BMP4):c.-97G>T

Gene: BMP4 (bone morphogenetic protein 4; minus strand). Cytogenetic location: 14q22.2.
Variant type: single nucleotide variant.
Coding change: c.-97G>T on transcript NM_001202.6 (MANE Select); 97 bases upstream of the start codon, G replaced by T.
Molecular consequence: 5 prime UTR variant. On other transcripts: missense variant (1).
Genome position (GRCh38, 1-based): chr14:53,953,365, C>A on the plus strand (G>T on the coding strand, the complement: BMP4 is on the minus strand). VCF-style: chr14-53953365-C-A. GRCh37 (hg19) VCF-style: chr14-54420083-C-A.
Other names: c.98G>T, p.Cys33Phe (NM_001347912.1); c.-233G>T (NM_001347913.2, NM_001347915.2, NM_001347917.1); c.-97G>T (NM_001347914.2, NM_001347916.1, NM_130850.5 and 1 more transcripts); short protein forms C33F.
Identifiers: ClinVar variation 2633667 (VCV002633667.1), dbSNP rs2502603578, ClinGen allele CA2624919058.